The following is an entry in ClinVar:

ClinVar aggregate classification (germline): Likely benign. Review status: criteria provided, multiple submitters, no conflicts (2 of 4 stars). 3 submissions from 3 submitters: Likely benign (3). Last evaluated 2023-02-01.

Allele frequency attached by ClinVar (database versions not stated): 1000 Genomes Project 0.00180; 1000 Genomes Project 30x 0.00203; TOPMed 0.00346; gnomAD exomes 0.00392 and 0.00503; gnomAD 0.00399 and 0.00418; ExAC 0.00416; ESP Exome Variant Server 0.00508.
gnomAD v4.1: 7,825 of 1,614,214 alleles (0.48%); highest among the groups gnomAD compares: Non-Finnish European, 0.6%; 36 homozygotes.

Submissions (3):

CeGaT Center for Human Genetics Tuebingen
Classification: Likely benign. Last evaluated: 2023-02-01. Review status: criteria provided, single submitter. Criteria: CeGaT Center For Human Genetics Tuebingen Variant Classification Criteria Version 2. Collection method: clinical testing. Allele origin: germline. Affected: yes. Observed: 2 variant alleles.
Comment: AKAP13: BP4, BS2

Labcorp Genetics (formerly Invitae), Labcorp
Classification: Likely benign. Last evaluated: 2018-05-04. Review status: criteria provided, single submitter. Criteria: Invitae Variant Classification Sherloc (09022015). Collection method: clinical testing. Allele origin: germline.

Breakthrough Genomics
Classification: Likely benign. Review status: criteria provided, single submitter. Criteria: ACMG Guidelines, 2015. Collection method: not provided. Allele origin: germline. Inheritance: Unknown mechanism. Affected: yes.

NM_007200.5(AKAP13):c.2471A>T (p.Tyr824Phe)

Genes: AKAP13 (A-kinase anchoring protein 13; plus strand), LOC130057844 (ATAC-STARR-seq lymphoblastoid active region 10017; plus strand). Cytogenetic location: 15q25.3.
Variant type: single nucleotide variant.
Coding change: c.2471A>T on transcript NM_007200.5 (MANE Select); coding-DNA position 2471, A replaced by T.
Protein change: p.Tyr824Phe; replaces tyrosine 824 with phenylalanine.
Molecular consequence: missense variant.
Genome position (GRCh38, 1-based): chr15:85,580,539, A>T. VCF-style: chr15-85580539-A-T. GRCh37 (hg19) VCF-style: chr15-86123770-A-T.
Other names: c.2471A>T, p.Tyr824Phe (NM_006738.6); short protein forms Y824F.
Identifiers: ClinVar variation 778101 (VCV000778101.28), dbSNP rs114705815, ClinGen allele CA7712616.